The following is an entry in ClinVar:

ClinVar aggregate classification (germline): Uncertain significance. Review status: criteria provided, multiple submitters, no conflicts (2 of 4 stars). 2 submissions from 2 submitters: Uncertain significance (2). Last evaluated 2025-03-24.

Allele frequency attached by ClinVar (database versions not stated): TOPMed below 0.00001.

Submissions (2):

Ambry Genetics
Classification: Uncertain significance. Last evaluated: 2025-03-24. Review status: criteria provided, single submitter. Criteria: Ambry Variant Classification Scheme 2023. Collection method: clinical testing. Allele origin: germline.

Labcorp Genetics (formerly Invitae), Labcorp
Classification: Uncertain significance. Last evaluated: 2024-04-10. Review status: criteria provided, single submitter. Criteria: Invitae Variant Classification Sherloc (09022015). Collection method: clinical testing. Allele origin: germline.
Comment: This sequence change replaces glycine, which is neutral and non-polar, with arginine, which is basic and polar, at codon 458 of the MTMR14 protein (p.Gly458Arg). This variant is not present in population databases (gnomAD no frequency). This variant has not been reported in the literature in individuals affected with MTMR14-related conditions. Advanced modeling of protein sequence and biophysical properties (such as structural, functional, and spatial information, amino acid conservation, physicochemical variation, residue mobility, and thermodynamic stability) performed at Invitae indicates that this missense variant is not expected to disrupt MTMR14 protein function with a negative predictive value of 80%. In summary, the available evidence is currently insufficient to determine the role of this variant in disease. Therefore, it has been classified as a Variant of Uncertain Significance.

NM_001077525.3(MTMR14):c.1372G>A (p.Gly458Arg)

Gene: MTMR14 (myotubularin related protein 14; plus strand). Cytogenetic location: 3p25.3.
Variant type: single nucleotide variant.
Coding change: c.1372G>A on transcript NM_001077525.3 (MANE Select); coding-DNA position 1372, G replaced by A.
Protein change: p.Gly458Arg; replaces glycine 458 with arginine.
Molecular consequence: missense variant. On other transcripts: non-coding transcript variant (9).
Genome position (GRCh38, 1-based): chr3:9,689,021, G>A. VCF-style: chr3-9689021-G-A. GRCh37 (hg19) VCF-style: chr3-9730705-G-A.
Other names: c.1372G>A (NM_022485.4); c.1372G>A, p.Gly458Arg (NM_001077526.3, NM_022485.5); c.1441G>A, p.Gly481Arg (NM_001400518.1, NM_001400521.1); c.1369G>A, p.Gly457Arg (NM_001400519.1, NM_001400522.1); c.1297G>A, p.Gly433Arg (NM_001400520.1, NM_001400523.1, NM_001400528.1); c.730G>A, p.Gly244Arg (NM_001400542.1, NM_001400543.1, NM_001400545.1 and 7 more transcripts); c.511G>A, p.Gly171Arg (NM_001400544.1, NM_001400547.1, NM_001400548.1 and 1 more transcripts); c.655G>A, p.Gly219Arg (NM_001400549.1, NM_001400538.1); and 6 more; short protein forms G339R, G351R, G244R, G458R, G481R, G219R, G364R, G375R.
Identifiers: ClinVar variation 2800429 (VCV002800429.4), dbSNP rs2076055673, ClinGen allele CA351699119.
Genomic context (GRCh38, chr3:9,689,021, plus strand): 5'-AGCACCACCAGCCTTGGCAGCGACTTCTCCCTGGTCATGGAGAGTTCCCCAGGAGCCACT[G>A]GGAGCTTCACCTATGAGGCCGTGGAGCTGGTCCCAGCAGGAGCGCCAACTCAGGCAGCTT-3'
Protein context (NP_001070993.1, residues 448-468): LVMESSPGAT[Gly458Arg]SFTYEAVELV